The following is an entry in ClinVar:

ClinVar aggregate classification (germline): Uncertain significance (1 of 4 stars; one submission).

Conditions:
Microcephaly, normal intelligence and immunodeficiency (NBS). Also called: Nijmegen breakage syndrome; Microcephaly with normal intelligence immunodeficiency and lymphoreticular malignancies; Nonsyndromal microcephaly autosomal recessive with normal intelligence; Seemanova syndrome 2; SEEMANOVA SYNDROME II; IMMUNODEFICIENCY, MICROCEPHALY, AND CHROMOSOMAL INSTABILITY. Identifiers: Orphanet 647, MedGen C0398791, MONDO:0009623, OMIM 251260.

Submission:

Labcorp Genetics (formerly Invitae), Labcorp
Classification: Uncertain significance for Microcephaly, normal intelligence and immunodeficiency. Last evaluated: 2021-08-26. Review status: criteria provided, single submitter. Criteria: Invitae Variant Classification Sherloc (09022015). Collection method: clinical testing. Allele origin: germline.
Comment: This sequence change replaces aspartic acid with glutamic acid at codon 284 of the NBN protein (p.Asp284Glu). The aspartic acid residue is weakly conserved and there is a small physicochemical difference between aspartic acid and glutamic acid. This variant is not present in population databases (ExAC no frequency). This variant has not been reported in the literature in individuals affected with NBN-related conditions. Algorithms developed to predict the effect of missense changes on protein structure and function (SIFT, PolyPhen-2, Align-GVGD) all suggest that this variant is likely to be tolerated. In summary, the available evidence is currently insufficient to determine the role of this variant in disease. Therefore, it has been classified as a Variant of Uncertain Significance.

NM_002485.5(NBN):c.852C>G (p.Asp284Glu)

Gene: NBN (nibrin; minus strand). Cytogenetic location: 8q21.3.
Variant type: single nucleotide variant.
Coding change: c.852C>G on transcript NM_002485.5 (MANE Select); coding-DNA position 852, C replaced by G.
Protein change: p.Asp284Glu; replaces aspartic acid 284 with glutamic acid.
Molecular consequence: missense variant.
Genome position (GRCh38, 1-based): chr8:89,970,408, G>C on the plus strand (C>G on the coding strand, the complement: NBN is on the minus strand). VCF-style: chr8-89970408-G-C. GRCh37 (hg19) VCF-style: chr8-90982636-G-C.
Other names: c.606C>G, p.Asp202Glu (NM_001024688.3); short protein forms D202E, D284E.
Identifiers: ClinVar variation 1417296 (VCV001417296.5), dbSNP rs2129827918, ClinGen allele CA371658398.